The following is an entry in ClinVar:

ClinVar aggregate classification (germline): Likely benign (1 of 4 stars; one submission).

Submission:

CeGaT Center for Human Genetics Tuebingen
Classification: Likely benign. Last evaluated: 2026-05-01. Review status: criteria provided, single submitter. Criteria: CeGaT Center For Human Genetics Tuebingen Variant Classification Criteria Version 2. Collection method: clinical testing. Allele origin: germline. Affected: yes. Observed: 1 variant allele.
Comment: SACS: PM2:Supporting, BP4, BP7

NM_014363.6(SACS):c.6264C>T (p.Phe2088=)

Gene: SACS (sacsin molecular chaperone; minus strand). Cytogenetic location: 13q12.12.
Variant type: single nucleotide variant.
Coding change: c.6264C>T on transcript NM_014363.6 (MANE Select); coding-DNA position 6264, C replaced by T.
Protein change: p.Phe2088=; no amino-acid change (phenylalanine 2088 retained).
Molecular consequence: synonymous variant.
Genome position (GRCh38, 1-based): chr13:23,337,612, G>A on the plus strand (C>T on the coding strand, the complement: SACS is on the minus strand). VCF-style: chr13-23337612-G-A. GRCh37 (hg19) VCF-style: chr13-23911751-G-A.
Other names: c.5823C>T, p.Phe1941= (NM_001278055.2); c.6291C>T, p.Phe2097= (NM_001437336.1).
Identifiers: ClinVar variation 4874888 (VCV004874888.2).
Genomic context (GRCh38, chr13:23,337,612, plus strand): 5'-AACCAAAGGATGCCCCTCCAAGGAACAAGGAATACATGGAGTAACACGAAGAACTCCCGA[G>A]AACTCATCAACTTTTTCATTTAGAACAAAGATCATTAAAGGATCTCTAAGTTCTGCTTCA-3'
Protein context (NP_055178.3, residues 2078-2098): IFVLNEKVDE[Phe2088=]SGVLRVTPCI